The following is an entry in ClinVar:

NM_005264.8(GFRA1):c.362A>G (p.Tyr121Cys)

Gene: GFRA1 (GDNF family receptor alpha 1; minus strand). Cytogenetic location: 10q25.3.
Variant type: single nucleotide variant.
Coding change: c.362A>G on transcript NM_005264.8 (MANE Select); coding-DNA position 362, A replaced by G.
Protein change: p.Tyr121Cys; replaces tyrosine 121 with cysteine.
Molecular consequence: missense variant.
Genome position (GRCh38, 1-based): chr10:116,269,559, T>C on the plus strand (A>G on the coding strand, the complement: GFRA1 is on the minus strand). VCF-style: chr10-116269559-T-C. GRCh37 (hg19) VCF-style: chr10-118029071-T-C.
Other names: c.362A>G, p.Tyr121Cys (NM_001145453.4, NM_001348096.3, NM_001348097.1 and 8 more transcripts); short protein forms Y121C.
Identifiers: ClinVar variation 1705592 (VCV001705592.1), dbSNP rs2493861602, ClinGen allele CA378551521.

ClinVar aggregate classification (germline): Uncertain significance (1 of 4 stars; one submission).

Conditions:
Renal hypodysplasia/aplasia 4. Identifiers: MedGen C5676993, MONDO:0030822, OMIM 619887.

Submission:

3billion
Classification: Uncertain significance for Renal hypodysplasia/aplasia 4. Last evaluated: 2022-09-01. Review status: criteria provided, single submitter. Criteria: ACMG Guidelines, 2015. Collection method: clinical testing. Allele origin: germline. Affected: yes. Observed: 1 homozygote.
Comment: The variant is not observed in the gnomAD v2.1.1 dataset. While this variant results in missense change, protein truncation variants are a common disease-causing mechanism. In silico tool predictions suggest damaging effect of the variant on gene or gene product (REVEL: 0.63; 3Cnet: 0.27). Therefore, this variant is classified as uncertain significance according to the recommendation of ACMG/AMP guideline.